The following is an entry in ClinVar:

NM_001717.4(BNC1):c.132_133del (p.Ser45fs)

Gene: BNC1 (basonuclin zinc finger protein 1; minus strand). Cytogenetic location: 15q25.2.
Variant type: Deletion.
Coding change: c.132_133del on transcript NM_001717.4 (MANE Select); coding-DNA positions 132 to 133, 2 bases deleted (AA; older notation c.132_133delAA).
Protein change: p.Ser45fs; shifts the reading frame from serine 45.
Molecular consequence: frameshift variant.
Genome position (GRCh38, 1-based): chr15:83,268,199-83,268,200, TT deleted on the plus strand (AA on the coding strand, the reverse complement: BNC1 is on the minus strand); deleting any 2 consecutive bases within chr15:83,268,199-83,268,201 gives the same sequence; the c. name uses the placement nearest the transcript's 3' end. VCF-style (leftmost placement, unchanged base first): chr15-83268198-CTT-C. GRCh37 (hg19) VCF-style: chr15-83936950-CTT-C.
Other names: c.111_112del, p.Ser38fs (NM_001301206.2); short protein forms S45fs, S38fs.
Identifiers: ClinVar variation 3382993 (VCV003382993.2).

ClinVar aggregate classification (germline): Uncertain significance (1 of 4 stars; one submission).

Conditions:
Premature ovarian failure 16. Identifiers: MedGen C5231474, MONDO:0032881, OMIM 618723.

Submission:

Juno Genomics, Hangzhou Juno Genomics, Inc
Classification: Uncertain significance for Premature ovarian failure 16. Review status: criteria provided, single submitter. Criteria: ACMG Guidelines, 2015. Collection method: clinical testing. Allele origin: germline. Affected: yes.
Comment: Absent from controls (or at extremely low frequency if recessive) in Genome Aggregation Database, Exome Sequencing Project, 1000 Genomes Project, or Exome Aggregation Consortium.